The following is an entry in ClinVar:

NM_014363.6(SACS):c.4743C>T (p.Phe1581=)

Gene: SACS (sacsin molecular chaperone; minus strand). Cytogenetic location: 13q12.12.
Variant type: single nucleotide variant.
Coding change: c.4743C>T on transcript NM_014363.6 (MANE Select); coding-DNA position 4743, C replaced by T.
Protein change: p.Phe1581=; no amino-acid change (phenylalanine 1581 retained).
Molecular consequence: synonymous variant.
Genome position (GRCh38, 1-based): chr13:23,339,133, G>A on the plus strand (C>T on the coding strand, the complement: SACS is on the minus strand). VCF-style: chr13-23339133-G-A. GRCh37 (hg19) VCF-style: chr13-23913272-G-A.
Other names: c.4743C>T (NM_014363.4); c.4302C>T, p.Phe1434= (NM_001278055.2).
Identifiers: ClinVar variation 700344 (VCV000700344.13), dbSNP rs143310473, ClinGen allele CA6911349.

ClinVar aggregate classification (germline): Benign/Likely benign. Review status: criteria provided, multiple submitters, no conflicts (2 of 4 stars). 3 submissions from 3 submitters: Benign (1); Likely benign (1). 1 of the submissions does not count toward it. Last evaluated 2026-01-11.

Conditions:
Spastic paraplegia. Identifiers: MedGen C0037772, HP:0001258.
Charlevoix-Saguenay spastic ataxia (SACS). Also called: SPASTIC ATAXIA 6, AUTOSOMAL RECESSIVE; Spastic ataxia of Charlevoix-Saguenay; AUTOSOMAL RECESSIVE SPASTIC ATAXIA OF CHARLEVOIX-SAGUENAY. Identifiers: Orphanet 98, MedGen C1849140, MONDO:0010041, OMIM 270550.

Allele frequency attached by ClinVar (database versions not stated): gnomAD exomes 0.00002 and 0.00012; gnomAD 0.00006 and 0.00007; TOPMed 0.00008; ExAC 0.00013; 1000 Genomes Project 30x 0.00016; 1000 Genomes Project 0.00020.
gnomAD v4.1: 38 of 1,610,704 alleles (0.0024%); highest among the groups gnomAD compares: East Asian, 0.051%; no homozygotes.

Submissions (3):

Labcorp Genetics (formerly Invitae), Labcorp
Classification: Likely benign for Spastic paraplegia. Last evaluated: 2026-01-11. Review status: criteria provided, single submitter. Criteria: Invitae Variant Classification Sherloc (09022015). Collection method: clinical testing. Allele origin: germline.

Athena Diagnostics
Classification: Benign. Last evaluated: 2025-04-29. Review status: criteria provided, single submitter. Criteria: Athena Diagnostics Criteria. Collection method: clinical testing. Allele origin: unknown.
Comment: The frequency of this variant in the general population is higher than would generally be expected for pathogenic variants in this gene. Computational tools yielded predictions that this variant is unlikely to have an effect on normal RNA splicing.

Natera, Inc.
Classification: Likely benign for Charlevoix-Saguenay type spastic ataxia. Last evaluated: 2020-02-28. Review status: no assertion criteria provided. Collection method: clinical testing. Allele origin: germline. Not counted in ClinVar's aggregate classification.